The following is an entry in ClinVar:

ClinVar aggregate classification (germline): Likely benign. Review status: criteria provided, multiple submitters, no conflicts (2 of 4 stars). 4 submissions from 4 submitters: Likely benign (3). 1 of the submissions does not count toward it. Last evaluated 2022-12-05.

Conditions:
PIEZO1-related disorder. Also called: PIEZO1-Related Disorders; PIEZO1-related condition.

Allele frequency attached by ClinVar (database versions not stated): gnomAD exomes 0.00005; gnomAD 0.00012 and 0.00014; TOPMed 0.00015.
gnomAD v4.1: 58 of 1,550,122 alleles (0.0037%); highest among the groups gnomAD compares: African/African-American, 0.04%; no homozygotes.

Submissions (4):

Blueprint Genetics
Classification: Likely benign. Last evaluated: 2022-12-05. Review status: criteria provided, single submitter. Criteria: ACMG Guidelines, 2015. Collection method: clinical testing. Allele origin: germline.

CeGaT Center for Human Genetics Tuebingen
Classification: Likely benign. Last evaluated: 2022-07-01. Review status: criteria provided, single submitter. Criteria: CeGaT Center For Human Genetics Tuebingen Variant Classification Criteria Version 2. Collection method: clinical testing. Allele origin: germline. Affected: yes. Observed: 1 variant allele.
Comment: PIEZO1: BP4, BP7

Labcorp Genetics (formerly Invitae), Labcorp
Classification: Likely benign. Last evaluated: 2018-01-08. Review status: criteria provided, single submitter. Criteria: Invitae Variant Classification Sherloc (09022015). Collection method: clinical testing. Allele origin: germline.

PreventionGenetics, part of Exact Sciences
Classification: Likely benign for PIEZO1-related condition. Last evaluated: 2023-08-04. Review status: no assertion criteria provided. Collection method: clinical testing. Allele origin: germline. Not counted in ClinVar's aggregate classification.
Comment: This variant is classified as likely benign based on ACMG/AMP sequence variant interpretation guidelines (Richards et al. 2015 PMID: 25741868, with internal and published modifications).

NM_001142864.4(PIEZO1):c.1989C>T (p.Thr663=)

Genes: HSALR1 (HSP90AB1 associated lncRNA 1; plus strand), PIEZO1 (piezo type mechanosensitive ion channel component 1 (Er blood group); minus strand). Cytogenetic location: 16q24.3.
Variant type: single nucleotide variant.
Coding change: c.1989C>T on transcript NM_001142864.4 (MANE Select); coding-DNA position 1989, C replaced by T.
Protein change: p.Thr663=; no amino-acid change (threonine 663 retained).
Molecular consequence: synonymous variant.
Genome position (GRCh38, 1-based): chr16:88,734,658, G>A on the plus strand (C>T on the coding strand, the complement: PIEZO1 is on the minus strand). VCF-style: chr16-88734658-G-A. GRCh37 (hg19) VCF-style: chr16-88801066-G-A.
Identifiers: ClinVar variation 730418 (VCV000730418.29), dbSNP rs936735628, ClinGen allele CA286424483.